The following is an entry in ClinVar:

NM_004082.5(DCTN1):c.1047G>A (p.Lys349=)

Gene: DCTN1 (dynactin subunit 1; minus strand). Cytogenetic location: 2p13.1.
Variant type: single nucleotide variant.
Coding change: c.1047G>A on transcript NM_004082.5 (MANE Select); coding-DNA position 1047, G replaced by A.
Protein change: p.Lys349=; no amino-acid change (lysine 349 retained).
Molecular consequence: synonymous variant. On other transcripts: non-coding transcript variant (1).
Genome position (GRCh38, 1-based): chr2:74,370,622, C>T on the plus strand (G>A on the coding strand, the complement: DCTN1 is on the minus strand). VCF-style: chr2-74370622-C-T. GRCh37 (hg19) VCF-style: chr2-74597749-C-T.
Other names: c.996G>A, p.Lys332= (NM_001378991.1); c.978G>A, p.Lys326= (NM_001378992.1); c.645G>A, p.Lys215= (NM_023019.4, NM_001135041.3); c.987G>A, p.Lys329= (NM_001135040.3); c.936G>A, p.Lys312= (NM_001190836.2); c.1026G>A, p.Lys342= (NM_001190837.2).
Identifiers: ClinVar variation 3747962 (VCV003747962.2).

ClinVar aggregate classification (germline): Uncertain significance (1 of 4 stars; one submission).

Conditions:
Amyotrophic lateral sclerosis type 1 (ALS1). Also called: AMYOTROPHIC LATERAL SCLEROSIS 1, FAMILIAL. Identifiers: Orphanet 803, MedGen C1862939, MONDO:0007103, OMIM 105400.
Neuronopathy, distal hereditary motor, type 7B. Also called: NEURONOPATHY, DISTAL HEREDITARY MOTOR, AUTOSOMAL DOMINANT 14; NEURONOPATHY, DISTAL HEREDITARY MOTOR, HARDING TYPE VIIB; NEUROPATHY, DISTAL HEREDITARY MOTOR, HARDING TYPE VIIB; NEUROPATHY, DISTAL HEREDITARY MOTOR, WITH VOCAL CORD PARALYSIS, HARDING TYPE VIIB; HMN VIIB; LOWER MOTOR NEURON DISEASE, DYNACTIN TYPE. Identifiers: Orphanet 139589, MedGen C1843315, MONDO:0011879, OMIM 607641.
Perry syndrome. Also called: PARKINSONISM WITH ALVEOLAR HYPOVENTILATION AND MENTAL DEPRESSION. Identifiers: Orphanet 178509, MedGen C1868594, MONDO:0008201, OMIM 168605.

Submission:

Labcorp Genetics (formerly Invitae), Labcorp
Classification: Uncertain significance for Amyotrophic lateral sclerosis type 1; Neuronopathy, distal hereditary motor, type 7B; Perry syndrome. Last evaluated: 2024-06-19. Review status: criteria provided, single submitter. Criteria: Invitae Variant Classification Sherloc (09022015). Collection method: clinical testing. Allele origin: germline.
Comment: This sequence change affects codon 349 of the DCTN1 mRNA. It is a 'silent' change, meaning that it does not change the encoded amino acid sequence of the DCTN1 protein. It affects a nucleotide within the consensus splice site. This variant is present in population databases (rs778117603, gnomAD 0.0009%). This variant has not been reported in the literature in individuals affected with DCTN1-related conditions. Algorithms developed to predict the effect of sequence changes on RNA splicing suggest that this variant is not likely to affect RNA splicing. In summary, the available evidence is currently insufficient to determine the role of this variant in disease. Therefore, it has been classified as a Variant of Uncertain Significance.